The following is an entry in ClinVar:

ClinVar aggregate classification (germline): Uncertain significance. Review status: criteria provided, multiple submitters, no conflicts (2 of 4 stars). 2 submissions from 2 submitters: Uncertain significance (2). Last evaluated 2024-10-24.

Allele frequency attached by ClinVar (database versions not stated): gnomAD exomes 0.00001.
gnomAD v4.1: 6 of 1,211,621 alleles (0.0005%); highest among the groups gnomAD compares: Admixed American, 0.0043%; no homozygotes.

Submissions (2):

Labcorp Genetics (formerly Invitae), Labcorp
Classification: Uncertain significance. Last evaluated: 2024-10-24. Review status: criteria provided, single submitter. Criteria: Invitae Variant Classification Sherloc (09022015). Collection method: clinical testing. Allele origin: germline.
Comment: This sequence change replaces arginine, which is basic and polar, with cysteine, which is neutral and slightly polar, at codon 922 of the USP9X protein (p.Arg922Cys). This variant is present in population databases (rs754284452, gnomAD 0.008%). This variant has not been reported in the literature in individuals affected with USP9X-related conditions. ClinVar contains an entry for this variant (Variation ID: 1959917). An algorithm developed to predict the effect of missense changes on protein structure and function (PolyPhen-2) suggests that this variant is likely to be disruptive. In summary, the available evidence is currently insufficient to determine the role of this variant in disease. Therefore, it has been classified as a Variant of Uncertain Significance.

GeneDx
Classification: Uncertain significance. Last evaluated: 2022-07-25. Review status: criteria provided, single submitter. Criteria: GeneDx Variant Classification Process June 2021. Collection method: clinical testing. Allele origin: germline. Affected: yes.
Comment: In silico analysis supports that this missense variant has a deleterious effect on protein structure/function; Has not been previously published as pathogenic or benign to our knowledge

NM_001039591.3(USP9X):c.2764C>T (p.Arg922Cys)

Gene: USP9X (ubiquitin specific peptidase 9 X-linked; plus strand). Cytogenetic location: Xp11.4.
Variant type: single nucleotide variant.
Coding change: c.2764C>T on transcript NM_001039591.3 (MANE Select); coding-DNA position 2764, C replaced by T.
Protein change: p.Arg922Cys; replaces arginine 922 with cysteine.
Molecular consequence: missense variant.
Genome position (GRCh38, 1-based): chrX:41,170,122, C>T. VCF-style: chrX-41170122-C-T. GRCh37 (hg19) VCF-style: chrX-41029375-C-T.
Other names: c.2764C>T, p.Arg922Cys (NM_001039590.3); c.2779C>T, p.Arg927Cys (NM_001410748.1, NM_001410749.1); c.2764C>T (NM_001039590.2); short protein forms R922C, R927C.
Identifiers: ClinVar variation 1959917 (VCV001959917.6), dbSNP rs754284452, ClinGen allele CA329000496.